The following is an entry in ClinVar:

NM_001401501.2(MUC16):c.44332C>T (p.Arg14778Cys)

Gene: MUC16 (mucin 16, cell surface associated; minus strand). Cytogenetic location: 19p13.2.
Variant type: single nucleotide variant.
Coding change: c.44332C>T on transcript NM_001401501.2 (MANE Select); coding-DNA position 44332, C replaced by T.
Protein change: p.Arg14778Cys; replaces arginine 14778 with cysteine.
Molecular consequence: missense variant.
Genome position (GRCh38, 1-based): chr19:8,876,605, G>A on the plus strand (C>T on the coding strand, the complement: MUC16 is on the minus strand). VCF-style: chr19-8876605-G-A. GRCh37 (hg19) VCF-style: chr19-8987281-G-A.
Other names: c.44758C>T, p.Arg14920Cys (NM_001414686.1); c.44212C>T, p.Arg14738Cys (NM_001414687.1); c.41806C>T, p.Arg13936Cys (NM_024690.2); short protein forms R13936C, R14738C, R14778C, R14920C.
Identifiers: ClinVar variation 3055565 (VCV003055565.2), dbSNP rs79138508, ClinGen allele CA9162620.
Genomic context (GRCh38, chr19:8,876,605, plus strand): 5'-TGACGTTGTCTGTGATGTTGAACTTGAGGGAGCCGGGTTGGCCCATGTCCGCCATGTAGC[G>A]CAGGTTGTTGATGGTGAAGTTCAGTGTGAATGGCTCCTCGCTGACCACCCCGGCTAGGGC-3'
Protein context (NP_001388430.1, residues 14768-14788): FTLNFTINNL[Arg14778Cys]YMADMGQPGS

ClinVar aggregate classification (germline): Likely benign (0 of 4 stars; one submission).

Conditions:
MUC16-related disorder. Also called: MUC16-related condition.

Allele frequency attached by ClinVar (database versions not stated): ESP Exome Variant Server 0.00023; gnomAD 0.00030; TOPMed 0.00042; ExAC 0.00050; 1000 Genomes Project 0.00100; 1000 Genomes Project 30x 0.00125.

Submission:

PreventionGenetics, part of Exact Sciences
Classification: Likely benign for MUC16-related condition. Last evaluated: 2019-08-07. Review status: no assertion criteria provided. Collection method: clinical testing. Allele origin: germline.
Comment: This variant is classified as likely benign based on ACMG/AMP sequence variant interpretation guidelines (Richards et al. 2015 PMID: 25741868, with internal and published modifications).